The following is an entry in ClinVar:

ClinVar aggregate classification (germline): Likely benign. Review status: criteria provided, multiple submitters, no conflicts (2 of 4 stars). 4 submissions from 4 submitters: Likely benign (4). Last evaluated 2024-11-01.

Allele frequency attached by ClinVar (database versions not stated): ExAC 0.00031; gnomAD 0.00039 and 0.00040; TOPMed 0.00040; ESP Exome Variant Server 0.00046.

Submissions (4):

CeGaT Center for Human Genetics Tuebingen
Classification: Likely benign. Last evaluated: 2024-11-01. Review status: criteria provided, single submitter. Criteria: CeGaT Center For Human Genetics Tuebingen Variant Classification Criteria Version 2. Collection method: clinical testing. Allele origin: germline. Affected: yes. Observed: 1 variant allele.
Comment: FLT4: BP4, BP7

Blueprint Genetics
Classification: Likely benign. Last evaluated: 2024-08-27. Review status: criteria provided, single submitter. Criteria: ACMG Guidelines, 2015. Collection method: clinical testing. Allele origin: germline.

Breakthrough Genomics
Classification: Likely benign. Review status: criteria provided, single submitter. Criteria: ACMG Guidelines, 2015. Collection method: not provided. Allele origin: germline. Inheritance: Autosomal dominant inheritance. Affected: yes.

PreventionGenetics, part of Exact Sciences
Classification: Likely benign. Review status: criteria provided, single submitter. Criteria: ACMG Guidelines, 2015. Collection method: clinical testing. Allele origin: germline.

NM_182925.5(FLT4):c.1308G>A (p.Ser436=)

Gene: FLT4 (fms related receptor tyrosine kinase 4; minus strand). Cytogenetic location: 5q35.3.
Variant type: single nucleotide variant.
Coding change: c.1308G>A on transcript NM_182925.5 (MANE Select); coding-DNA position 1308, G replaced by A.
Protein change: p.Ser436=; no amino-acid change (serine 436 retained).
Molecular consequence: synonymous variant.
Genome position (GRCh38, 1-based): chr5:180,625,982, C>T on the plus strand (G>A on the coding strand, the complement: FLT4 is on the minus strand). VCF-style: chr5-180625982-C-T. GRCh37 (hg19) VCF-style: chr5-180052982-C-T.
Other names: c.1308G>A, p.Ser436= (NM_001354989.2, NM_002020.5).
Identifiers: ClinVar variation 263023 (VCV000263023.17), dbSNP rs142130840, ClinGen allele CA3606775.